The following is an entry in ClinVar:

ClinVar aggregate classification (germline): Benign/Likely benign. Review status: criteria provided, single submitter (1 of 4 stars). 6 submissions from 1 submitter: Benign (4); Likely benign (2). Last evaluated 2018-01-12.

Conditions:
Retinitis pigmentosa (RP). Identifiers: Orphanet 791, MedGen C0035334, MeSH D012174, MONDO:0019200, OMIM 268000. Inheritance: Autosomal dominant, autosomal recessive and X linked inheritance.
Choroidal dystrophy, central areolar 2 (CACD2). Also called: MACULAR DYSTROPHY, PROGRESSIVE; Choriodal Dystrophy, Central Areolar 2. Identifiers: Orphanet 75377, MedGen C2751290, MONDO:0013137, OMIM 613105.
Pigmentary retinal dystrophy. Also called: Fundus albipunctatus. Identifiers: Orphanet 227796, Orphanet 52427, MedGen C0311338, MONDO:0007639, OMIM 136880, HP:0030642.
Cone-rod dystrophy. Also called: Cone/cone-rod dystrophy; Cone-rod degeneration. Identifiers: Orphanet 1872, MedGen C4085590, MONDO:0015993, HP:0000548.
Patterned macular dystrophy 1. Also called: BUTTERFLY DYSTROPHY OF RETINAL PIGMENT EPITHELIUM; MACULAR DYSTROPHY, BUTTERFLY-SHAPED PIGMENTARY. Identifiers: Orphanet 99001, MedGen C4551999, MONDO:0008210, OMIM 169150.
Adult-onset foveomacular vitelliform dystrophy. Also called: FOVEOMACULAR DYSTROPHY, ADULT-ONSET; FOVEOMACULAR DYSTROPHY, ADULT-ONSET, WITH OR WITHOUT CHOROIDAL NEOVASCULARIZATION; Adult onset vitelliform dystrophy. Identifiers: Orphanet 99000, MedGen C1842914, MONDO:0011979.

Allele frequency attached by ClinVar (database versions not stated): 1000 Genomes Project 0.00619; gnomAD 0.00625; 1000 Genomes Project 30x 0.00671; TOPMed 0.00679.

Submissions (6):

Illumina Laboratory Services, Illumina
Classification: Benign for Vitelliform macular dystrophy 3. Last evaluated: 2018-01-12. Review status: criteria provided, single submitter. Criteria: ICSL Variant Classification Criteria 13 December 2019. Collection method: clinical testing. Allele origin: germline.
Comment: This variant was observed in the ICSL laboratory as part of a predisposition screen in an ostensibly healthy population. It had not been previously curated by ICSL or reported in the Human Gene Mutation Database (HGMD: prior to June 1st, 2018), and was therefore a candidate for classification through an automated scoring system. Utilizing variant allele frequency, disease prevalence and penetrance estimates, and inheritance mode, an automated score was calculated to assess if this variant is too frequent to cause the disease. Based on the score and internal cut-off values, a variant classified as benign is not then subjected to further curation. The score for this variant resulted in a classification of benign for this disease.

Illumina Laboratory Services, Illumina
Classification: Benign for Retinitis pigmentosa. Last evaluated: 2018-01-12. Review status: criteria provided, single submitter. Criteria: ICSL Variant Classification Criteria 13 December 2019. Collection method: clinical testing. Allele origin: germline.
Comment: the same text as in the submission from Illumina Laboratory Services, Illumina above.

Illumina Laboratory Services, Illumina
Classification: Likely benign for Patterned macular dystrophy 1. Last evaluated: 2018-01-12. Review status: criteria provided, single submitter. Criteria: ICSL Variant Classification Criteria 13 December 2019. Collection method: clinical testing. Allele origin: germline.
Comment: This variant was observed in the ICSL laboratory as part of a predisposition screen in an ostensibly healthy population. It had not been previously curated by ICSL or reported in the Human Gene Mutation Database (HGMD: prior to June 1st, 2018), and was therefore a candidate for classification through an automated scoring system. Utilizing variant allele frequency, disease prevalence and penetrance estimates, and inheritance mode, an automated score was calculated to assess if this variant is too frequent to cause the disease. Based on the score and internal cut-off values, a variant classified as likely benign is not then subjected to further curation. The score for this variant resulted in a classification of likely benign for this disease.

Illumina Laboratory Services, Illumina
Classification: Likely benign for Pigmentary retinal dystrophy. Last evaluated: 2018-01-12. Review status: criteria provided, single submitter. Criteria: ICSL Variant Classification Criteria 13 December 2019. Collection method: clinical testing. Allele origin: germline.
Comment: the same text as in the submission from Illumina Laboratory Services, Illumina above.

Illumina Laboratory Services, Illumina
Classification: Benign for Cone-rod dystrophy. Last evaluated: 2018-01-12. Review status: criteria provided, single submitter. Criteria: ICSL Variant Classification Criteria 13 December 2019. Collection method: clinical testing. Allele origin: germline.
Comment: the same text as in the submission from Illumina Laboratory Services, Illumina above.

Illumina Laboratory Services, Illumina
Classification: Benign for Choroidal dystrophy, central areolar 2. Last evaluated: 2018-01-12. Review status: criteria provided, single submitter. Criteria: ICSL Variant Classification Criteria 13 December 2019. Collection method: clinical testing. Allele origin: germline.
Comment: the same text as in the submission from Illumina Laboratory Services, Illumina above.

NM_000322.5(PRPH2):c.*1313G>A

Gene: PRPH2 (peripherin 2; minus strand). Cytogenetic location: 6p21.1.
Variant type: single nucleotide variant.
Coding change: c.*1313G>A on transcript NM_000322.5 (MANE Select); 1313 bases downstream of the stop codon, G replaced by A.
Molecular consequence: 3 prime UTR variant.
Genome position (GRCh38, 1-based): chr6:42,696,982, C>T on the plus strand (G>A on the coding strand, the complement: PRPH2 is on the minus strand). VCF-style: chr6-42696982-C-T. GRCh37 (hg19) VCF-style: chr6-42664720-C-T.
Identifiers: ClinVar variation 356751 (VCV000356751.5), dbSNP rs115451690, ClinGen allele CA10626755.
Genomic context (GRCh38, chr6:42,696,982, plus strand): 5'-AGTTCTTAGGACAGCAGAGAACCCAAACTCAGTCCAAAGTAACCTATTCCCAAACACCAT[C>T]GGTCAGAAGCAGAGGTAAGTTATGGACTGTTCCCTTTCTGGTTTTTGCCTTCTGGCCTCG-3'